The following is an entry in ClinVar:

ClinVar aggregate classification (germline): Uncertain significance (1 of 4 stars; one submission).

Conditions:
Idiopathic generalized epilepsy. Also called: Generalised epilepsy; EIG. Identifiers: MedGen C0270850, MONDO:0005579, OMIM 600669.

Allele frequency attached by ClinVar (database versions not stated): gnomAD exomes 0.00001; TOPMed 0.00002; 1000 Genomes Project 30x 0.00016.
gnomAD v4.1: 9 of 1,110,518 alleles (0.00081%); highest among the groups gnomAD compares: African/African-American, 0.0084%; no homozygotes.

Submission:

Labcorp Genetics (formerly Invitae), Labcorp
Classification: Uncertain significance for Idiopathic generalized epilepsy. Last evaluated: 2025-10-16. Review status: criteria provided, single submitter. Criteria: Invitae Variant Classification Sherloc (09022015). Collection method: clinical testing. Allele origin: germline.
Comment: This sequence change replaces glycine, which is neutral and non-polar, with serine, which is neutral and polar, at codon 21 of the GABRD protein (p.Gly21Ser). This variant is present in population databases (no rsID available, gnomAD 0.01%). This variant has not been reported in the literature in individuals affected with GABRD-related conditions. ClinVar contains an entry for this variant (Variation ID: 954116). An algorithm developed to predict the effect of missense changes on protein structure and function (PolyPhen-2) suggests that this variant is likely to be tolerated. In summary, the available evidence is currently insufficient to determine the role of this variant in disease. Therefore, it has been classified as a Variant of Uncertain Significance.

NM_000815.5(GABRD):c.61G>A (p.Gly21Ser)

Gene: GABRD (gamma-aminobutyric acid type A receptor subunit delta; plus strand). Cytogenetic location: 1p36.33.
Variant type: single nucleotide variant.
Coding change: c.61G>A on transcript NM_000815.5 (MANE Select); coding-DNA position 61, G replaced by A.
Protein change: p.Gly21Ser; replaces glycine 21 with serine.
Molecular consequence: missense variant.
Genome position (GRCh38, 1-based): chr1:2,019,484, G>A. VCF-style: chr1-2019484-G-A. GRCh37 (hg19) VCF-style: chr1-1950923-G-A.
Other names: short protein forms G21S.
Identifiers: ClinVar variation 954116 (VCV000954116.10), dbSNP rs1214046618, ClinGen allele CA337953872.